The following is an entry in ClinVar:

ClinVar aggregate classification (germline): Uncertain significance. Review status: criteria provided, multiple submitters, no conflicts (2 of 4 stars). 3 submissions from 3 submitters: Uncertain significance (3). Last evaluated 2026-10-01.

Conditions:
Predisposition to Wilms tumor.
NYNRIN-related disorder. Also called: NYNRIN-related condition.

Submissions (3):

St. Jude Molecular Pathology, St. Jude Children's Research Hospital
Classification: Uncertain significance for Predisposition to Wilms tumor. Last evaluated: 2026-10-01. Review status: criteria provided, single submitter. Criteria: St. Jude Assertion Criteria 2020. Collection method: clinical testing. Allele origin: germline.
Comment: The NYNRIN c.1258_1259delinsAT p.(Glu420Met) change results from the deletion of two nucleotides and insertion of two nucleotides, replacing one amino acid with a different amino acid. This variant has a maximum subpopulation frequency of 0.07% in gnomAD v2.1.1. This variant has been reported in an individual with Wilm tumor (PMID: 37019617). In summary, the evidence currently available is insufficient to determine the clinical significance of this variant. It has therefore been classified as of un certain significance.

Labcorp Genetics (formerly Invitae), Labcorp
Classification: Uncertain significance. Last evaluated: 2025-07-27. Review status: criteria provided, single submitter. Criteria: Invitae Variant Classification Sherloc (09022015). Collection method: clinical testing. Allele origin: germline.
Comment: This sequence change replaces glutamic acid, which is acidic and polar, with methionine, which is neutral and non-polar, at codon 420 of the NYNRIN protein (p.Glu420Met). This variant is present in population databases (no rsID available, gnomAD 0.04%). This variant has not been reported in the literature in individuals affected with NYNRIN-related conditions. ClinVar contains an entry for this variant (Variation ID: 2635485). Experimental studies and prediction algorithms are not available or were not evaluated, and the functional significance of this variant is currently unknown. In summary, the available evidence is currently insufficient to determine the role of this variant in disease. Therefore, it has been classified as a Variant of Uncertain Significance.

PreventionGenetics, part of Exact Sciences
Classification: Uncertain significance for NYNRIN-related condition. Last evaluated: 2022-12-05. Review status: criteria provided, single submitter. Criteria: ACMG Guidelines, 2015. Collection method: clinical testing. Allele origin: germline.
Comment: The NYNRIN c.1258_1259delinsAT variant is predicted to result in an in-frame deletion and insertion. To our knowledge, this variant has not been reported in the literature. This variant, alternatively described as two in cis missense changes, has been reported in more than 90 alleles in gnomAD with an allele frequency of 0.73% in the European (non-Finnish) population. Although we suspect that this variant may be likely benign, at this time, the clinical significance of this variant is uncertain due to the absence of conclusive functional and genetic evidence.

NM_025081.3(NYNRIN):c.1258_1259delinsAT (p.Glu420Met)

Gene: NYNRIN (NYN domain and retroviral integrase containing; plus strand). Cytogenetic location: 14q12.
Variant type: Indel.
Coding change: c.1258_1259delinsAT on transcript NM_025081.3 (MANE Select); coding-DNA positions 1258 to 1259, GA replaced by AT.
Protein change: p.Glu420Met; replaces glutamic acid 420 with methionine.
Molecular consequence: missense variant.
Genome position (GRCh38, 1-based): chr14:24,409,052-24,409,053, GA replaced by AT. VCF-style: chr14-24409052-GA-AT. GRCh37 (hg19) VCF-style: chr14-24878258-GA-AT.
Other names: short protein forms E420M.
Identifiers: ClinVar variation 2635485 (VCV002635485.4), dbSNP rs2502381801, ClinGen allele CA2695199801.